The following is an entry in ClinVar:

NM_014252.4(SLC25A15):c.782-164A>G

Gene: SLC25A15 (solute carrier family 25 member 15; plus strand). Cytogenetic location: 13q14.11.
Variant type: single nucleotide variant.
Coding change: c.782-164A>G on transcript NM_014252.4 (MANE Select); 164 bases into the intron before coding-DNA position 782, A replaced by G.
Molecular consequence: intron variant.
Genome position (GRCh38, 1-based): chr13:40,809,379, A>G. VCF-style: chr13-40809379-A-G. GRCh37 (hg19) VCF-style: chr13-41383515-A-G.
Identifiers: ClinVar variation 683874 (VCV000683874.2), dbSNP rs2004000, ClinGen allele CA13829828.

ClinVar aggregate classification (germline): Benign. Review status: criteria provided, multiple submitters, no conflicts (2 of 4 stars). 2 submissions from 2 submitters: Benign (2). Last evaluated 2018-06-19.

Allele frequency attached by ClinVar (database versions not stated): gnomAD 0.47422; TOPMed 0.49188; 1000 Genomes Project 30x 0.51156; 1000 Genomes Project 0.51198.
gnomAD v4.1: 73,984 of 152,058 alleles (49%); highest among the groups gnomAD compares: African/African-American, 55%; 18,260 homozygotes.

Submissions (2):

GeneDx
Classification: Benign. Last evaluated: 2018-06-19. Review status: criteria provided, single submitter. Criteria: GeneDx Variant Classification (06012015). Collection method: clinical testing. Allele origin: germline. Affected: yes.
Comment: This variant is considered likely benign or benign based on one or more of the following criteria: it is a conservative change, it occurs at a poorly conserved position in the protein, it is predicted to be benign by multiple in silico algorithms, and/or has population frequency not consistent with disease.

Breakthrough Genomics
Classification: Benign. Review status: criteria provided, single submitter. Criteria: ACMG Guidelines, 2015. Collection method: not provided. Allele origin: germline. Inheritance: Autosomal recessive inheritance. Affected: yes.